The following is an entry in ClinVar:

ClinVar aggregate classification (germline): Uncertain significance (1 of 4 stars; one submission).

Conditions:
Brown-Vialetto-van Laere syndrome 1. Also called: BROWN-VIALETTO-VAN LAERE SYNDROME 1, MILD; BULBAR PALSY, PROGRESSIVE, WITH SENSORINEURAL DEAFNESS; PONTOBULBAR PALSY WITH DEAFNESS. Identifiers: Orphanet 572550, Orphanet 97229, MedGen C0796274, MONDO:0024537, OMIM 211530.

Submission:

Labcorp Genetics (formerly Invitae), Labcorp
Classification: Uncertain significance for Brown-Vialetto-van Laere syndrome 1. Last evaluated: 2021-06-17. Review status: criteria provided, single submitter. Criteria: Invitae Variant Classification Sherloc (09022015). Collection method: clinical testing. Allele origin: germline.
Comment: In summary, the available evidence is currently insufficient to determine the role of this variant in disease. Therefore, it has been classified as a Variant of Uncertain Significance. Experimental studies and prediction algorithms are not available or were not evaluated, and the functional significance of this variant is currently unknown. This variant has not been reported in the literature in individuals with SLC52A3-related conditions. This variant is not present in population databases (ExAC no frequency). This sequence change affects the initiator methionine of the SLC52A3 mRNA. The next in-frame methionine is located at codon 5.

NM_033409.4(SLC52A3):c.3G>A (p.Met1Ile)

Gene: SLC52A3 (solute carrier family 52 member 3; minus strand). Cytogenetic location: 20p13.
Variant type: single nucleotide variant.
Coding change: c.3G>A on transcript NM_033409.4 (MANE Select); coding-DNA position 3, G replaced by A.
Protein change: p.Met1Ile; changes the start codon (methionine 1).
Molecular consequence: missense variant, initiator codon variant.
Genome position (GRCh38, 1-based): chr20:765,772, C>T on the plus strand (G>A on the coding strand, the complement: SLC52A3 is on the minus strand). VCF-style: chr20-765772-C-T. GRCh37 (hg19) VCF-style: chr20-746416-C-T.
Other names: c.3G>A, p.Met1Ile (NM_001370085.1, NM_001370086.1); short protein forms M1I.
Identifiers: ClinVar variation 1361954 (VCV001361954.6), dbSNP rs2122527408, ClinGen allele CA407964748.